The following is an entry in ClinVar:

ClinVar aggregate classification (germline): Benign. Review status: criteria provided, multiple submitters, no conflicts (2 of 4 stars). 3 submissions from 3 submitters: Benign (2). 1 of the submissions does not count toward it. Last evaluated 2020-10-11.

Conditions:
MED13-related disorder. Also called: MED13-related condition.

Allele frequency attached by ClinVar (database versions not stated): ESP Exome Variant Server 0.18445; ExAC 0.18541; gnomAD exomes 0.18603; gnomAD 0.21006 and 0.21050; TOPMed 0.21755; 1000 Genomes Project 30x 0.28217; 1000 Genomes Project 0.28494.
gnomAD v4.1: 238,936 of 1,612,874 alleles (15%); highest among the groups gnomAD compares: East Asian, 47%; 22,653 homozygotes.

Submissions (3):

GeneDx
Classification: Benign. Last evaluated: 2020-10-11. Review status: criteria provided, single submitter. Criteria: GeneDx Variant Classification Process June 2021. Collection method: clinical testing. Allele origin: germline. Affected: yes.

Breakthrough Genomics
Classification: Benign. Review status: criteria provided, single submitter. Criteria: ACMG Guidelines, 2015. Collection method: not provided. Allele origin: germline. Inheritance: Autosomal dominant inheritance. Affected: yes.

PreventionGenetics, part of Exact Sciences
Classification: Benign for MED13-related condition. Last evaluated: 2019-10-04. Review status: no assertion criteria provided. Collection method: clinical testing. Allele origin: germline. Not counted in ClinVar's aggregate classification.
Comment: This variant is classified as benign based on ACMG/AMP sequence variant interpretation guidelines (Richards et al. 2015 PMID: 25741868, with internal and published modifications).

NM_005121.3(MED13):c.4848G>A (p.Thr1616=)

Gene: MED13 (mediator complex subunit 13; minus strand). Cytogenetic location: 17q23.2.
Variant type: single nucleotide variant.
Coding change: c.4848G>A on transcript NM_005121.3 (MANE Select); coding-DNA position 4848, G replaced by A.
Protein change: p.Thr1616=; no amino-acid change (threonine 1616 retained).
Molecular consequence: synonymous variant.
Genome position (GRCh38, 1-based): chr17:61,962,968, C>T on the plus strand (G>A on the coding strand, the complement: MED13 is on the minus strand). VCF-style: chr17-61962968-C-T. GRCh37 (hg19) VCF-style: chr17-60040329-C-T.
Identifiers: ClinVar variation 1260990 (VCV001260990.5), dbSNP rs2278812, ClinGen allele CA8692314.